The following is an entry in ClinVar:

NM_022437.3(ABCG8):c.1160C>T (p.Pro387Leu)

Gene: ABCG8 (ATP binding cassette subfamily G member 8; plus strand). Cytogenetic location: 2p21.
Variant type: single nucleotide variant.
Coding change: c.1160C>T on transcript NM_022437.3 (MANE Select); coding-DNA position 1160, C replaced by T.
Protein change: p.Pro387Leu; replaces proline 387 with leucine.
Molecular consequence: missense variant.
Genome position (GRCh38, 1-based): chr2:43,872,255, C>T. VCF-style: chr2-43872255-C-T. GRCh37 (hg19) VCF-style: chr2-44099394-C-T.
Other names: p.Pro387Leu; c.1157C>T, p.Pro386Leu (NM_001357321.2); short protein forms P387L, P386L.
Identifiers: ClinVar variation 500519 (VCV000500519.34), dbSNP rs150654176, ClinGen allele CA1637324.

ClinVar aggregate classification (germline): Conflicting classifications of pathogenicity. Review status: criteria provided, conflicting classifications (1 of 4 stars). 12 submissions from 12 submitters: Uncertain significance (7); Likely benign (3). 2 of the submissions do not count toward it. Last evaluated 2026-09-13.

Conditions:
ABCG8-related disorder. Also called: ABCG8-related condition.
Sitosterolemia 1. Identifiers: MedGen C2749759, MONDO:0020747, OMIM 210250.
Cardiovascular phenotype. Identifiers: MedGen CN230736.
Sitosterolemia (STSL). Also called: PHYTOSTEROLEMIA. Identifiers: Orphanet 2882, MedGen C0342907, MONDO:0008863.
Gallbladder disease 4 (GBD4). Identifiers: MedGen C1969115, MONDO:1010151, OMIM 611465.

Allele frequency attached by ClinVar (database versions not stated): gnomAD 0.00036 and 0.00039; TOPMed 0.00038; ExAC 0.00047; gnomAD exomes 0.00048 and 0.00071; ESP Exome Variant Server 0.00085.
gnomAD v4.1: 1,077 of 1,613,868 alleles (0.067%); highest among the groups gnomAD compares: Non-Finnish European, 0.081%; 1 homozygote.

Submissions (12):

PreventionGenetics, part of Exact Sciences
Classification: Uncertain significance for ABCG8-related condition. Last evaluated: 2026-09-13. Review status: criteria provided, single submitter. Criteria: ACMG Guidelines, 2015. Collection method: clinical testing. Allele origin: germline.
Comment: The ABCG8 c.1160C>T variant is predicted to result in the amino acid substitution p.Pro387Leu. To our knowledge, this variant has not been reported in the literature. This variant is reported in 0.10% of alleles in individuals of South Asian descent in gnomAD. Although we suspect that this variant may be benign, at this time, the clinical significance of this variant is uncertain due to the absence of conclusive functional and genetic evidence.

Women's Health and Genetics/Laboratory Corporation of America, LabCorp
Classification: Uncertain significance. Last evaluated: 2026-06-29. Review status: criteria provided, single submitter. Criteria: LabCorp Variant Classification Summary - May 2015. Collection method: clinical testing. Allele origin: germline.
Comment: Variant summary: ABCG8 c.1160C>T (p.Pro387Leu) results in a non-conservative amino acid change in the encoded protein sequence. Algorithms developed to predict the effect of missense changes on protein structure and function are either unavailable or do not agree on the potential impact of this missense change. The variant allele was found at a frequency of 0.00048 in 250998 control chromosomes in the gnomAD database, including 1 homozygote. This frequency is not significantly higher than estimated for disease-causing variants in ABCG8, allowing no conclusion about variant significance. c.1160C>T has been reported in the literature in individuals affected with Familial Hypercholesterolemia (Reeskamp_2020, Atava_2024, Adolfsson_2025). These reports do not provide unequivocal conclusions about association of the variant with disease. To our knowledge, no experimental evidence demonstrating an impact on protein function has been reported. The following publications have been ascertained in the context of this evaluation (PMID: 32088153, 39769230, 39802654). ClinVar contains an entry for this variant (Variation ID: 500519). Based on the evidence outlined above, the variant was classified as uncertain significance.

Labcorp Genetics (formerly Invitae), Labcorp
Classification: Likely benign. Last evaluated: 2026-01-11. Review status: criteria provided, single submitter. Criteria: Invitae Variant Classification Sherloc (09022015). Collection method: clinical testing. Allele origin: germline.

Revvity Omics, Revvity
Classification: Uncertain significance for Sitosterolemia 1. Last evaluated: 2024-08-19. Review status: criteria provided, single submitter. Criteria: ACMG Guidelines, 2015. Collection method: clinical testing. Allele origin: germline.

Blueprint Genetics
Classification: Likely benign. Last evaluated: 2024-06-24. Review status: criteria provided, single submitter. Criteria: ACMG Guidelines, 2015. Collection method: clinical testing. Allele origin: germline.

Ambry Genetics
Classification: Likely benign for Cardiovascular phenotype. Last evaluated: 2024-05-17. Review status: criteria provided, single submitter. Criteria: Ambry Variant Classification Scheme 2023. Collection method: clinical testing. Allele origin: germline.

GeneDx
Classification: Uncertain significance. Last evaluated: 2023-11-22. Review status: criteria provided, single submitter. Criteria: GeneDx Variant Classification Process June 2021. Collection method: clinical testing. Allele origin: germline. Affected: yes.
Comment: In silico analysis supports that this missense variant does not alter protein structure/function; Has not been previously published as pathogenic or benign to our knowledge

Mayo Clinic Laboratories, Mayo Clinic
Classification: Uncertain significance. Last evaluated: 2022-09-01. Review status: criteria provided, single submitter. Criteria: ACMG Guidelines, 2015. Collection method: clinical testing. Allele origin: germline. Observed: 2 variant alleles.

Fulgent Genetics
Classification: Uncertain significance for Sitosterolemia 1; Gallbladder disease 4. Last evaluated: 2018-10-31. Review status: criteria provided, single submitter. Criteria: ACMG Guidelines, 2015. Collection method: clinical testing. Allele origin: unknown.

Eurofins Ntd Llc (ga)
Classification: Uncertain significance. Last evaluated: 2017-08-15. Review status: criteria provided, single submitter. Criteria: EGL Classification Definitions 2015. Collection method: clinical testing. Allele origin: germline. Observed: 3 variant alleles, 3 heterozygotes.

Clinical Genetics DNA and cytogenetics Diagnostics Lab, Erasmus MC, Erasmus Medical Center
Classification: Likely benign. Review status: no assertion criteria provided. Collection method: clinical testing. Allele origin: germline. Affected: yes. Study: VKGL Data-share Consensus. Not counted in ClinVar's aggregate classification.

Clinical Genetics, Academic Medical Center
Classification: Likely benign. Review status: no assertion criteria provided. Collection method: clinical testing. Allele origin: germline. Affected: yes. Study: VKGL Data-share Consensus. Not counted in ClinVar's aggregate classification.

Literature cited by the submitters: PubMed 32088153 (cited by Women's Health and Genetics/Laboratory Corporation of America, LabCorp and Mayo Clinic Laboratories, Mayo Clinic); PubMed 39769230 (cited by Women's Health and Genetics/Laboratory Corporation of America, LabCorp); PubMed 39802654 (cited by Women's Health and Genetics/Laboratory Corporation of America, LabCorp); PubMed 29590070 (cited by Ambry Genetics).